The following is an entry in ClinVar:

ClinVar aggregate classification (germline): Uncertain significance. Review status: criteria provided, multiple submitters, no conflicts (2 of 4 stars). 3 submissions from 3 submitters: Uncertain significance (3). Last evaluated 2025-09-10.

Conditions:
Intellectual developmental disorder, autosomal dominant 6, with or without seizures. Also called: GRIN2B-related developmental delay, intellectual disability and autism spectrum disorder; Intellectual disability, autosomal dominant 6. Identifiers: Orphanet 589547, MedGen C3151411, MONDO:0013509, OMIM 613970.
Developmental and epileptic encephalopathy, 27 (DEE27). Also called: Epileptic encephalopathy, early infantile, 27; GRIN2B-Related Neurodevelopmental Disorder. Identifiers: Orphanet 3451, MedGen C4015316, MONDO:0014505, OMIM 616139.

Allele frequency attached by ClinVar (database versions not stated): gnomAD exomes below 0.00001.
gnomAD v4.1: 1 of 1,614,068 alleles (0.000062%); highest among the groups gnomAD compares: South Asian, 0.0011%; no homozygotes.

Submissions (3):

Genomic Medicine Center of Excellence, King Faisal Specialist Hospital and Research Centre
Classification: Uncertain significance for Intellectual developmental disorder, autosomal dominant 6, with or without seizures. Last evaluated: 2025-09-10. Review status: criteria provided, single submitter. Criteria: ACMG Guidelines, 2015. Collection method: clinical testing. Allele origin: germline.

Labcorp Genetics (formerly Invitae), Labcorp
Classification: Uncertain significance for Developmental and epileptic encephalopathy, 27; Intellectual developmental disorder, autosomal dominant 6, with or without seizures. Last evaluated: 2024-09-06. Review status: criteria provided, single submitter. Criteria: Invitae Variant Classification Sherloc (09022015). Collection method: clinical testing. Allele origin: germline.
Comment: This sequence change replaces threonine, which is neutral and polar, with methionine, which is neutral and non-polar, at codon 1230 of the GRIN2B protein (p.Thr1230Met). This variant is not present in population databases (gnomAD no frequency). This variant has not been reported in the literature in individuals affected with GRIN2B-related conditions. Invitae Evidence Modeling of protein sequence and biophysical properties (such as structural, functional, and spatial information, amino acid conservation, physicochemical variation, residue mobility, and thermodynamic stability) indicates that this missense variant is not expected to disrupt GRIN2B protein function with a negative predictive value of 95%. In summary, the available evidence is currently insufficient to determine the role of this variant in disease. Therefore, it has been classified as a Variant of Uncertain Significance.

Women's Health and Genetics/Laboratory Corporation of America, LabCorp
Classification: Uncertain significance. Last evaluated: 2024-07-02. Review status: criteria provided, single submitter. Criteria: LabCorp Variant Classification Summary - May 2015. Collection method: clinical testing. Allele origin: germline.
Comment: Variant summary: GRIN2B c.3689C>T (p.Thr1230Met) results in a non-conservative amino acid change located in the Glutamate [NMDA] receptor, epsilon subunit, C-terminal domain (IPR018884) of the encoded protein sequence. Three of five in-silico tools predict a benign effect of the variant on protein function. The variant was absent in 251240 control chromosomes. The available data on variant occurrences in the general population are insufficient to allow any conclusion about variant significance. To our knowledge, no occurrence of c.3689C>T in individuals affected with Mental Retardation, Autosomal Dominant 6 and no experimental evidence demonstrating its impact on protein function have been reported. ClinVar contains an entry for this variant (Variation ID: 2934181). Based on the evidence outlined above, the variant was classified as uncertain significance.

NM_000834.5(GRIN2B):c.3689C>T (p.Thr1230Met)

Gene: GRIN2B (glutamate ionotropic receptor NMDA type subunit 2B; minus strand). Cytogenetic location: 12p13.1.
Variant type: single nucleotide variant.
Coding change: c.3689C>T on transcript NM_000834.5 (MANE Select); coding-DNA position 3689, C replaced by T.
Protein change: p.Thr1230Met; replaces threonine 1230 with methionine.
Molecular consequence: missense variant.
Genome position (GRCh38, 1-based): chr12:13,563,549, G>A on the plus strand (C>T on the coding strand, the complement: GRIN2B is on the minus strand). VCF-style: chr12-13563549-G-A. GRCh37 (hg19) VCF-style: chr12-13716483-G-A.
Other names: c.3689C>T, p.Thr1230Met (NM_001413992.1); short protein forms T1230M.
Identifiers: ClinVar variation 2934181 (VCV002934181.5), dbSNP rs1263518250, ClinGen allele CA383987745.
Genomic context (GRCh38, chr12:13,563,549, plus strand): 5'-TTGCCTGCTTTCTTGCAAGCCTCACACCGGATGCACGCCTGCCTGCCCGAGTTCTGACCC[G>A]TCACCGTCGTGGAGTAGTTGTGCAGCTTGGAGGGACAGCTGCGGCAGAAGTTGCCCCCGG-3'
Protein context (NP_000825.2, residues 1220-1240): SKLHNYSTTV[Thr1230Met]GQNSGRQACI